The following is an entry in ClinVar:

ClinVar aggregate classification (germline): Uncertain significance. Review status: criteria provided, multiple submitters, no conflicts (2 of 4 stars). 3 submissions from 3 submitters: Uncertain significance (3). Last evaluated 2025-07-10.

Conditions:
Inborn genetic diseases. Identifiers: MedGen C0950123, MeSH D030342.
Amyotrophic lateral sclerosis type 1 (ALS1). Also called: AMYOTROPHIC LATERAL SCLEROSIS 1, FAMILIAL. Identifiers: Orphanet 803, MedGen C1862939, MONDO:0007103, OMIM 105400.
Neuronopathy, distal hereditary motor, type 7B. Also called: NEURONOPATHY, DISTAL HEREDITARY MOTOR, AUTOSOMAL DOMINANT 14; NEURONOPATHY, DISTAL HEREDITARY MOTOR, HARDING TYPE VIIB; NEUROPATHY, DISTAL HEREDITARY MOTOR, HARDING TYPE VIIB; HMN VIIB; LOWER MOTOR NEURON DISEASE, DYNACTIN TYPE; NEUROPATHY, DISTAL HEREDITARY MOTOR, WITH VOCAL CORD PARALYSIS, HARDING TYPE VIIB. Identifiers: Orphanet 139589, MedGen C1843315, MONDO:0011879, OMIM 607641.
Perry syndrome. Also called: PARKINSONISM WITH ALVEOLAR HYPOVENTILATION AND MENTAL DEPRESSION. Identifiers: Orphanet 178509, MedGen C1868594, MONDO:0008201, OMIM 168605.

Allele frequency attached by ClinVar (database versions not stated): gnomAD exomes below 0.00001.
gnomAD v4.1: 1 of 1,614,122 alleles (0.000062%); highest among the groups gnomAD compares: Non-Finnish European, 0.000085%; no homozygotes.

Submissions (3):

Mayo Clinic Laboratories, Mayo Clinic
Classification: Uncertain significance. Last evaluated: 2025-07-10. Review status: criteria provided, single submitter. Criteria: ACMG Guidelines, 2015. Collection method: clinical testing. Allele origin: germline. Observed: 1 variant allele.
Comment: BP4_moderate

Labcorp Genetics (formerly Invitae), Labcorp
Classification: Uncertain significance for Amyotrophic lateral sclerosis type 1; Neuronopathy, distal hereditary motor, type 7B; Perry syndrome. Last evaluated: 2025-06-10. Review status: criteria provided, single submitter. Criteria: Invitae Variant Classification Sherloc (09022015). Collection method: clinical testing. Allele origin: germline.
Comment: This sequence change replaces glutamine, which is neutral and polar, with proline, which is neutral and non-polar, at codon 400 of the DCTN1 protein (p.Gln400Pro). This variant is not present in population databases (gnomAD no frequency). This variant has not been reported in the literature in individuals affected with DCTN1-related conditions. ClinVar contains an entry for this variant (Variation ID: 1746629). Invitae Evidence Modeling of protein sequence and biophysical properties (such as structural, functional, and spatial information, amino acid conservation, physicochemical variation, residue mobility, and thermodynamic stability) indicates that this missense variant is not expected to disrupt DCTN1 protein function with a negative predictive value of 95%. In summary, the available evidence is currently insufficient to determine the role of this variant in disease. Therefore, it has been classified as a Variant of Uncertain Significance.

Ambry Genetics
Classification: Uncertain significance for Inborn genetic diseases. Last evaluated: 2022-02-14. Review status: criteria provided, single submitter. Criteria: Ambry Variant Classification Scheme 2023. Collection method: clinical testing. Allele origin: germline.
Comment: The p.Q400P variant (also known as c.1199A>C), located in coding exon 12 of the DCTN1 gene, results from an A to C substitution at nucleotide position 1199. The glutamine at codon 400 is replaced by proline, an amino acid with similar properties. This amino acid position is conserved. In addition, this alteration is predicted to be tolerated by in silico analysis. Since supporting evidence is limited at this time, the clinical significance of this alteration remains unclear.

NM_004082.5(DCTN1):c.1199A>C (p.Gln400Pro)

Gene: DCTN1 (dynactin subunit 1; minus strand). Cytogenetic location: 2p13.1.
Variant type: single nucleotide variant.
Coding change: c.1199A>C on transcript NM_004082.5 (MANE Select); coding-DNA position 1199, A replaced by C.
Protein change: p.Gln400Pro; replaces glutamine 400 with proline.
Molecular consequence: missense variant. On other transcripts: non-coding transcript variant (1).
Genome position (GRCh38, 1-based): chr2:74,370,274, T>G on the plus strand (A>C on the coding strand, the complement: DCTN1 is on the minus strand). VCF-style: chr2-74370274-T-G. GRCh37 (hg19) VCF-style: chr2-74597401-T-G.
Other names: p.Gln400Pro; c.1139A>C, p.Gln380Pro (NM_001135040.3); c.797A>C, p.Gln266Pro (NM_001135041.3, NM_023019.4); c.1088A>C, p.Gln363Pro (NM_001190836.2); c.1178A>C, p.Gln393Pro (NM_001190837.2); c.1148A>C, p.Gln383Pro (NM_001378991.1); c.1130A>C, p.Gln377Pro (NM_001378992.1); short protein forms Q400P, Q266P, Q363P, Q377P, Q393P, Q380P, Q383P.
Identifiers: ClinVar variation 1746629 (VCV001746629.8), dbSNP rs2529156164, ClinGen allele CA347361200.